The following is an entry in ClinVar:

ClinVar aggregate classification (germline): Uncertain significance. Review status: criteria provided, multiple submitters, no conflicts (2 of 4 stars). 2 submissions from 2 submitters: Uncertain significance (2). Last evaluated 2025-09-23.

Conditions:
Cardiomyopathy (CMYO). Also called: Cardiomyopathies. Identifiers: Orphanet 167848, MedGen C0878544, MONDO:0004994, HP:0001638. Inheritance: Various modes of inheritance.
Catecholaminergic polymorphic ventricular tachycardia 1. Also called: VENTRICULAR TACHYCARDIA, CATECHOLAMINERGIC POLYMORPHIC, 1, WITH OR WITHOUT ATRIAL DYSFUNCTION AND/OR DILATED CARDIOMYOPATHY; RYR2-Related Catecholaminergic Polymorphic Ventricular Tachycardia; VENTRICULAR TACHYCARDIA, STRESS-INDUCED POLYMORPHIC 1. Identifiers: Orphanet 3286, MedGen C1631597, MONDO:0011484, OMIM 604772.

Submissions (2):

Color Diagnostics, LLC DBA Color Health
Classification: Uncertain significance for Cardiomyopathy. Last evaluated: 2025-09-23. Review status: criteria provided, single submitter. Criteria: ACMG Guidelines, 2015. Collection method: clinical testing. Allele origin: germline.
Comment: This variant causes a duplication of lysine residue at codon 2042 in the RYR2 protein. To our knowledge, functional studies have not been reported for this variant. This variant has not been reported in individuals affected with RYR2-related disorders in the literature. This variant has not been identified in the general population by the Genome Aggregation Database (gnomAD). The available evidence is insufficient to determine the role of this variant in disease conclusively. Therefore, this variant is classified as a Variant of Uncertain Significance.

Labcorp Genetics (formerly Invitae), Labcorp
Classification: Uncertain significance for Catecholaminergic polymorphic ventricular tachycardia 1. Last evaluated: 2023-10-15. Review status: criteria provided, single submitter. Criteria: Invitae Variant Classification Sherloc (09022015). Collection method: clinical testing. Allele origin: germline.
Comment: This variant, c.6124_6126dup, results in the insertion of 1 amino acid(s) of the RYR2 protein (p.Lys2042dup), but otherwise preserves the integrity of the reading frame. This variant is not present in population databases (gnomAD no frequency). This variant has not been reported in the literature in individuals affected with RYR2-related conditions. In summary, the available evidence is currently insufficient to determine the role of this variant in disease. Therefore, it has been classified as a Variant of Uncertain Significance.

NM_001035.3(RYR2):c.6118AAG[4] (p.Lys2042_Gln2043insLys)

Gene: RYR2 (ryanodine receptor 2; plus strand). Cytogenetic location: 1q43.
Variant type: Microsatellite.
Coding change: c.6118AAG[4] on transcript NM_001035.3 (MANE Select); four copies in a row of the 3-base unit AAG starting at c.6118; the reference has three copies in a row; one copy, 3 bases duplicated; also written c.6124_6126dup.
Protein change: p.Lys2042_Gln2043insLys.
Molecular consequence: inframe insertion.
Genome position (GRCh38, 1-based): chr1:237,625,762-237,625,764, AAG duplicated; duplicating any 3 consecutive bases within chr1:237,625,755-237,625,764 gives the same sequence; the position shown is the placement nearest the transcript's 3' end. VCF-style (leftmost placement, unchanged base first): chr1-237625754-T-TGAA. GRCh37 (hg19) VCF-style: chr1-237789054-T-TGAA.
Other names: c.6124_6126dup (NM_001035.3).
Identifiers: ClinVar variation 2963945 (VCV002963945.4), dbSNP rs2546873863, ClinGen allele CA2740092654.
Genomic context (GRCh38, chr1:237,625,754, plus strand): 5'-GAAACAGTGATTTAACAATTAGAGGGCGTCTGCTATCCCTGGTAGAAAAGGTGACATATC[T>TGAA]GAAGAAGAAGCAAGCAGAAAAACCAGTTGAGAGTGACTCCAAAAAGTCCTGTAAGCAGTA-3'